The following is an entry in ClinVar:

NM_020693.4(DSCAML1):c.4426G>T (p.Gly1476Trp)

Gene: DSCAML1 (DS cell adhesion molecule like 1; minus strand). Cytogenetic location: 11q23.3.
Variant type: single nucleotide variant.
Coding change: c.4426G>T on transcript NM_020693.4 (MANE Select); coding-DNA position 4426, G replaced by T.
Protein change: p.Gly1476Trp; replaces glycine 1476 with tryptophan.
Molecular consequence: missense variant.
Genome position (GRCh38, 1-based): chr11:117,437,901, C>A on the plus strand (G>T on the coding strand, the complement: DSCAML1 is on the minus strand). VCF-style: chr11-117437901-C-A. GRCh37 (hg19) VCF-style: chr11-117308617-C-A.
Other names: short protein forms G1476W.
Identifiers: ClinVar variation 4736094 (VCV004736094.1).

ClinVar aggregate classification (germline): Uncertain significance (1 of 4 stars; one submission).

Submission:

Labcorp Genetics (formerly Invitae), Labcorp
Classification: Uncertain significance. Last evaluated: 2026-01-24. Review status: criteria provided, single submitter. Criteria: Invitae Variant Classification Sherloc (09022015). Collection method: clinical testing. Allele origin: germline.
Comment: This sequence change replaces glycine, which is neutral and non-polar, with tryptophan, which is neutral and slightly polar, at codon 1536 of the DSCAML1 protein (p.Gly1536Trp). This variant is not present in population databases (gnomAD no frequency). This variant has not been reported in the literature in individuals affected with DSCAML1-related conditions. An algorithm developed to predict the effect of missense changes on protein structure and function (PolyPhen-2) suggests that this variant is likely to be disruptive. In summary, the available evidence is currently insufficient to determine the role of this variant in disease. Therefore, it has been classified as a Variant of Uncertain Significance.